The following is an entry in ClinVar:

NM_031935.3(HMCN1):c.15273G>C (p.Gln5091His)

Gene: HMCN1 (hemicentin 1; plus strand). Cytogenetic location: 1q31.1.
Variant type: single nucleotide variant.
Coding change: c.15273G>C on transcript NM_031935.3 (MANE Select); coding-DNA position 15273, G replaced by C.
Protein change: p.Gln5091His; replaces glutamine 5091 with histidine.
Molecular consequence: missense variant.
Genome position (GRCh38, 1-based): chr1:186,165,127, G>C. VCF-style: chr1-186165127-G-C. GRCh37 (hg19) VCF-style: chr1-186134259-G-C.
Other names: c.15273G>C (NM_031935.2); short protein forms Q5091H.
Identifiers: ClinVar variation 1399707 (VCV001399707.7), dbSNP rs369122627, ClinGen allele CA1295203.

ClinVar aggregate classification (germline): Uncertain significance. Review status: criteria provided, multiple submitters, no conflicts (2 of 4 stars). 2 submissions from 2 submitters: Uncertain significance (2). Last evaluated 2026-01-01.

Allele frequency attached by ClinVar (database versions not stated): ExAC 0.00001; gnomAD exomes 0.00001; TOPMed 0.00001; gnomAD 0.00002; ESP Exome Variant Server 0.00008.
gnomAD v4.1: 60 of 1,613,968 alleles (0.0037%); highest among the groups gnomAD compares: Non-Finnish European, 0.0047%; no homozygotes.

Submissions (2):

Labcorp Genetics (formerly Invitae), Labcorp
Classification: Uncertain significance. Last evaluated: 2026-01-01. Review status: criteria provided, single submitter. Criteria: Invitae Variant Classification Sherloc (09022015). Collection method: clinical testing. Allele origin: germline.
Comment: This sequence change replaces glutamine, which is neutral and polar, with histidine, which is basic and polar, at codon 5091 of the HMCN1 protein (p.Gln5091His). This variant is present in population databases (rs369122627, gnomAD 0.002%). This variant has not been reported in the literature in individuals affected with HMCN1-related conditions. ClinVar contains an entry for this variant (Variation ID: 1399707). An algorithm developed to predict the effect of missense changes on protein structure and function (PolyPhen-2) suggests that this variant is likely to be disruptive. In summary, the available evidence is currently insufficient to determine the role of this variant in disease. Therefore, it has been classified as a Variant of Uncertain Significance.

Ambry Genetics
Classification: Uncertain significance. Last evaluated: 2024-11-15. Review status: criteria provided, single submitter. Criteria: Ambry Variant Classification Scheme 2023. Collection method: clinical testing. Allele origin: germline.